The following is an entry in ClinVar:

NM_003742.4(ABCB11):c.99G>C (p.Arg33Ser)

Gene: ABCB11 (ATP binding cassette subfamily B member 11; minus strand). Cytogenetic location: 2q31.1.
Variant type: single nucleotide variant.
Coding change: c.99G>C on transcript NM_003742.4 (MANE Select); coding-DNA position 99, G replaced by C.
Protein change: p.Arg33Ser; replaces arginine 33 with serine.
Molecular consequence: missense variant.
Genome position (GRCh38, 1-based): chr2:169,014,354, C>G on the plus strand (G>C on the coding strand, the complement: ABCB11 is on the minus strand). VCF-style: chr2-169014354-C-G. GRCh37 (hg19) VCF-style: chr2-169870864-C-G.
Other names: NM_003742.4:c.99G>C; short protein forms R33S.
Identifiers: ClinVar variation 3776888 (VCV003776888.2).

ClinVar aggregate classification (germline): Uncertain significance. Review status: criteria provided, multiple submitters, no conflicts (2 of 4 stars). 2 submissions from 2 submitters: Uncertain significance (2). Last evaluated 2026-04-14.

Conditions:
Familial intrahepatic cholestasis. Identifiers: Orphanet 284385, MedGen CN296401, MONDO:0017290.
Progressive familial intrahepatic cholestasis type 2. Identifiers: Orphanet 79304, MedGen C3489789, MONDO:0011156, OMIM 601847.

gnomAD v4.1: 1 of 1,612,994 alleles (0.000062%); highest among the groups gnomAD compares: Non-Finnish European, 0.000085%; no homozygotes.

Submissions (2):

Genomenon, Inc
Classification: Uncertain significance for Familial intrahepatic cholestasis. Last evaluated: 2026-04-14. Review status: criteria provided, single submitter. Criteria: Genomenon Sequence Variant Interpretation Standards - Updated. Collection method: curation. Allele origin: germline. Affected: yes.
Comment: ABCB11 p.Arg33Ser (c.99G>C) is a missense variant that changes the amino acid at residue 33 from Arginine to Serine. This variant has been observed in at least one proband with an ABCB11-related disorder (PMID:34016879). It is absent or not present at a significant frequency in gnomAD. In silico models predict that this variant is possibly or probably damaging. In conclusion, we classify ABCB11 p.Arg33Ser (c.99G>C) as a variant of uncertain significance.

Broad Center for Mendelian Genomics, Broad Institute of MIT and Harvard
Classification: Uncertain significance for Progressive familial intrahepatic cholestasis type 2. Last evaluated: 2025-02-04. Review status: criteria provided, single submitter. Criteria: ACMG Guidelines, 2015. Collection method: curation. Allele origin: germline. Inheritance: Autosomal recessive inheritance.
Comment: The p.Arg33Ser variant in ABCB11 has been reported, in the compound heterozygous state, in one individual with BSEP deficiency (PMID: 34016879), and has been identified in 0.00008% (1/1179312) of European (non-Finnish) chromosomes by the Genome Aggregation Database (gnomAD; dbSNP rs1306338605). Although this variant has been seen in the general population in a heterozygous state, its frequency is low enough to be consistent with a recessive carrier frequency. Computational prediction tools and conservation analyses suggest that this variant may impact the protein, though this information is not predictive enough to determine pathogenicity. In summary, the clinical significance of the p.Arg33Ser variant is uncertain. ACMG/AMP Criteria applied: PM2_supporting, PM3_supporting, PP3 (Richards 2015).

Literature cited by the submitters: PubMed 34016879 (cited by Genomenon, Inc).